The following is an entry in ClinVar:

ClinVar aggregate classification (germline): Uncertain significance (1 of 4 stars; one submission).

Conditions:
Atrial fibrillation, familial, 14 (ATFB14). Identifiers: MedGen C3809312, MONDO:0014156, OMIM 615378.

Submission:

Labcorp Genetics (formerly Invitae), Labcorp
Classification: Uncertain significance for Atrial fibrillation, familial, 14. Last evaluated: 2022-01-11. Review status: criteria provided, single submitter. Criteria: Invitae Variant Classification Sherloc (09022015). Collection method: clinical testing. Allele origin: germline.
Comment: In summary, the available evidence is currently insufficient to determine the role of this variant in disease. Therefore, it has been classified as a Variant of Uncertain Significance. Algorithms developed to predict the effect of missense changes on protein structure and function are either unavailable or do not agree on the potential impact of this missense change (SIFT: "Deleterious"; PolyPhen-2: "Probably Damaging"; Align-GVGD: "Class C0"). This variant has not been reported in the literature in individuals affected with SCN2B-related conditions. This variant is not present in population databases (gnomAD no frequency). This sequence change replaces isoleucine, which is neutral and non-polar, with methionine, which is neutral and non-polar, at codon 174 of the SCN2B protein (p.Ile174Met).

NM_004588.5(SCN2B):c.522C>G (p.Ile174Met)

Gene: SCN2B (sodium voltage-gated channel beta subunit 2; minus strand). Cytogenetic location: 11q23.3.
Variant type: single nucleotide variant.
Coding change: c.522C>G on transcript NM_004588.5 (MANE Select); coding-DNA position 522, C replaced by G.
Protein change: p.Ile174Met; replaces isoleucine 174 with methionine.
Molecular consequence: missense variant.
Genome position (GRCh38, 1-based): chr11:118,167,013, G>C on the plus strand (C>G on the coding strand, the complement: SCN2B is on the minus strand). VCF-style: chr11-118167013-G-C. GRCh37 (hg19) VCF-style: chr11-118037728-G-C.
Other names: short protein forms I174M.
Identifiers: ClinVar variation 2157748 (VCV002157748.4), dbSNP rs2497598968, ClinGen allele CA382783798.